The following is an entry in ClinVar:

ClinVar aggregate classification (germline): Uncertain significance (1 of 4 stars; one submission).

Conditions:
Renal cell carcinoma. Identifiers: Orphanet 217071, MedGen C0007134, MeSH D002292, MONDO:0005086, HP:0005584.

Submission:

Labcorp Genetics (formerly Invitae), Labcorp
Classification: Uncertain significance for Renal cell carcinoma. Last evaluated: 2024-11-19. Review status: criteria provided, single submitter. Criteria: Invitae Variant Classification Sherloc (09022015). Collection method: clinical testing. Allele origin: germline.
Comment: This sequence change replaces valine, which is neutral and non-polar, with alanine, which is neutral and non-polar, at codon 1284 of the MET protein (p.Val1284Ala). This variant is not present in population databases (gnomAD no frequency). This variant has not been reported in the literature in individuals affected with MET-related conditions. An algorithm developed to predict the effect of missense changes on protein structure and function (PolyPhen-2) suggests that this variant is likely to be disruptive. In summary, the available evidence is currently insufficient to determine the role of this variant in disease. Therefore, it has been classified as a Variant of Uncertain Significance.

NM_000245.4(MET):c.3797T>C (p.Val1266Ala)

Gene: MET (MET proto-oncogene, receptor tyrosine kinase; plus strand). Cytogenetic location: 7q31.2.
Variant type: single nucleotide variant.
Coding change: c.3797T>C on transcript NM_000245.4 (MANE Select); coding-DNA position 3797, T replaced by C.
Protein change: p.Val1266Ala; replaces valine 1266 with alanine.
Molecular consequence: missense variant.
Genome position (GRCh38, 1-based): chr7:116,783,468, T>C. VCF-style: chr7-116783468-T-C. GRCh37 (hg19) VCF-style: chr7-116423522-T-C.
Other names: c.3851T>C, p.Val1284Ala (NM_001127500.3); c.2507T>C, p.Val836Ala (NM_001324402.2); short protein forms V1266A, V1284A, V836A.
Identifiers: ClinVar variation 3725626 (VCV003725626.2).
Genomic context (GRCh38, chr7:116,783,468, plus strand): 5'-CAGTGAAGTGGATGGCTTTGGAAAGTCTGCAAACTCAAAAGTTTACCACCAAGTCAGATG[T>C]GGTAATGTATTGGTTATCTCTGAGTTTCTCCTCTTTTACTTTCATATCCAACTTTTTTTG-3'
Protein context (NP_000236.2, residues 1256-1276): QTQKFTTKSD[Val1266Ala]WSFGVLLWEL